The following is an entry in ClinVar:

ClinVar aggregate classification (germline): Likely benign. Review status: criteria provided, multiple submitters, no conflicts (2 of 4 stars). 4 submissions from 4 submitters: Likely benign (4). Last evaluated 2026-01-27.

Conditions:
Hermansky-Pudlak syndrome 2 (HPS2). Also called: Platelet defects and oculocutaneous albinism. Identifiers: Orphanet 183678, Orphanet 79430, MedGen C1842362, MONDO:0011997, OMIM 608233.

Allele frequency attached by ClinVar (database versions not stated): gnomAD 0.00033 and 0.00035; ExAC 0.00034; TOPMed 0.00035; gnomAD exomes 0.00036 and 0.00039; ESP Exome Variant Server 0.00085.
gnomAD v4.1: 601 of 1,568,356 alleles (0.038%); highest among the groups gnomAD compares: Middle Eastern, 0.1%; no homozygotes.

Submissions (4):

Labcorp Genetics (formerly Invitae), Labcorp
Classification: Likely benign for Hermansky-Pudlak syndrome 2. Last evaluated: 2026-01-27. Review status: criteria provided, single submitter. Criteria: Invitae Variant Classification Sherloc (09022015). Collection method: clinical testing. Allele origin: germline.

Blueprint Genetics
Classification: Likely benign. Last evaluated: 2024-11-26. Review status: criteria provided, single submitter. Criteria: ACMG Guidelines, 2015. Collection method: clinical testing. Allele origin: germline.

Women's Health and Genetics/Laboratory Corporation of America, LabCorp
Classification: Likely benign. Last evaluated: 2023-09-12. Review status: criteria provided, single submitter. Criteria: LabCorp Variant Classification Summary - May 2015. Collection method: clinical testing. Allele origin: germline.
Comment: Variant summary: AP3B1 c.279+16A>G alters a non-conserved nucleotide located at a position not widely known to affect splicing. Consensus agreement among computation tools predict no significant impact on normal splicing. However, these predictions have yet to be confirmed by functional studies. The variant allele was found at a frequency of 0.00036 in 250590 control chromosomes (gnomAD). This frequency is not significantly higher than estimated for a pathogenic variant in AP3B1 causing Hermansky-Pudlak Syndrome (0.00036 vs 0.0005), allowing no conclusion about variant significance. To our knowledge, no occurrence of c.279+16A>G in individuals affected with Hermansky-Pudlak Syndrome and no experimental evidence demonstrating its impact on protein function have been reported. Two submitters have cited clinical-significance assessments for this variant to ClinVar after 2014. All submitters classified the variant as likely benign. Based on the evidence outlined above, the variant was classified as likely benign.

Fulgent Genetics
Classification: Likely benign for Hermansky-Pudlak syndrome 2. Last evaluated: 2022-04-18. Review status: criteria provided, single submitter. Criteria: ACMG Guidelines, 2015. Collection method: clinical testing. Allele origin: unknown.

NM_003664.5(AP3B1):c.279+16A>G

Gene: AP3B1 (adaptor related protein complex 3 subunit beta 1; minus strand). Cytogenetic location: 5q14.1.
Variant type: single nucleotide variant.
Coding change: c.279+16A>G on transcript NM_003664.5 (MANE Select); 16 bases into the intron after coding-DNA position 279, A replaced by G.
Molecular consequence: intron variant.
Genome position (GRCh38, 1-based): chr5:78,240,846, T>C on the plus strand (A>G on the coding strand, the complement: AP3B1 is on the minus strand). VCF-style: chr5-78240846-T-C. GRCh37 (hg19) VCF-style: chr5-77536670-T-C.
Other names: c.132+16A>G (NM_001271769.2); c.279+16A>G (NM_003664.4).
Identifiers: ClinVar variation 1579174 (VCV001579174.11), dbSNP rs199804239, ClinGen allele CA3317419.
Genomic context (GRCh38, chr5:78,240,846, plus strand): 5'-TGCATTATACTACATAAAAAGTGTACGGTCCCATGAAAACAAAAGGAATCATAAAAATTA[T>C]AGATCAAAACAGTACCTCAATATTTTTACTGGCCACATTCTTCACAACAGCAGGAAACAG-3'